The following is an entry in ClinVar:

ClinVar aggregate classification (germline): Conflicting classifications of pathogenicity. Review status: criteria provided, conflicting classifications (1 of 4 stars). 2 submissions from 2 submitters: Uncertain significance (1); Likely benign (1). Last evaluated 2025-12-01.

Allele frequency attached by ClinVar (database versions not stated): gnomAD exomes 0.00001.
gnomAD v4.1: 8 of 1,613,804 alleles (0.0005%); highest among the groups gnomAD compares: African/African-American, 0.0013%; no homozygotes.

Submissions (2):

Labcorp Genetics (formerly Invitae), Labcorp
Classification: Uncertain significance. Last evaluated: 2025-12-01. Review status: criteria provided, single submitter. Criteria: Invitae Variant Classification Sherloc (09022015). Collection method: clinical testing. Allele origin: germline.
Comment: This sequence change replaces asparagine, which is neutral and polar, with serine, which is neutral and polar, at codon 1382 of the A2ML1 protein (p.Asn1382Ser). This variant is not present in population databases (gnomAD no frequency). This variant has not been reported in the literature in individuals affected with A2ML1-related conditions. ClinVar contains an entry for this variant (Variation ID: 2742007). An algorithm developed to predict the effect of missense changes on protein structure and function outputs the following: PolyPhen-2: "Benign". The serine amino acid residue is found in multiple mammalian species, which suggests that this missense change does not adversely affect protein function. In summary, the available evidence is currently insufficient to determine the role of this variant in disease. Therefore, it has been classified as a Variant of Uncertain Significance.

Ambry Genetics
Classification: Likely benign. Last evaluated: 2025-04-02. Review status: criteria provided, single submitter. Criteria: Ambry Variant Classification Scheme 2023. Collection method: clinical testing. Allele origin: germline.

NM_144670.6(A2ML1):c.4145A>G (p.Asn1382Ser)

Gene: A2ML1 (alpha-2-macroglobulin like 1; plus strand). Cytogenetic location: 12p13.31.
Variant type: single nucleotide variant.
Coding change: c.4145A>G on transcript NM_144670.6 (MANE Select); coding-DNA position 4145, A replaced by G.
Protein change: p.Asn1382Ser; replaces asparagine 1382 with serine.
Molecular consequence: missense variant.
Genome position (GRCh38, 1-based): chr12:8,868,620, A>G. VCF-style: chr12-8868620-A-G. GRCh37 (hg19) VCF-style: chr12-9021216-A-G.
Other names: c.4145A>G (NM_144670.3); c.2672A>G, p.Asn891Ser (NM_001282424.3); short protein forms N1382S, N891S.
Identifiers: ClinVar variation 2742007 (VCV002742007.4), dbSNP rs2539312069, ClinGen allele CA383813012.